The following is an entry in ClinVar:

NM_020921.4(NIN):c.1765C>T (p.Pro589Ser)

Gene: NIN (ninein; minus strand). Cytogenetic location: 14q22.1.
Variant type: single nucleotide variant.
Coding change: c.1765C>T on transcript NM_020921.4 (MANE Select); coding-DNA position 1765, C replaced by T.
Protein change: p.Pro589Ser; replaces proline 589 with serine.
Molecular consequence: missense variant.
Genome position (GRCh38, 1-based): chr14:50,763,835, G>A on the plus strand (C>T on the coding strand, the complement: NIN is on the minus strand). VCF-style: chr14-50763835-G-A. GRCh37 (hg19) VCF-style: chr14-51230553-G-A.
Other names: c.1765C>T, p.Pro589Ser (NM_016350.5, NM_182944.3, NM_182946.2); short protein forms P589S.
Identifiers: ClinVar variation 2029775 (VCV002029775.4), dbSNP rs1379149029, ClinGen allele CA389703982.
Genomic context (GRCh38, chr14:50,763,835, plus strand): 5'-TCTAAAAACAAGAGTAAAGGCTTTATCTACAGCCTGTCCGAATGTGTTTACCGTGTTCGG[G>A]CTCAATGCCACCGCTGTTAGCCTCAACTTCTTCTGACGGTGAGTTCTTCAACGGAAGCCT-3'
Protein context (NP_065972.4, residues 579-599): EVEANSGGIE[Pro589Ser]EHGLGSEECN

ClinVar aggregate classification (germline): Uncertain significance (1 of 4 stars; one submission).

Allele frequency attached by ClinVar (database versions not stated): TOPMed below 0.00001; gnomAD exomes 0.00001.
gnomAD v4.1: 7 of 1,613,886 alleles (0.00043%); highest among the groups gnomAD compares: Non-Finnish European, 0.00059%; no homozygotes.

Submission:

Labcorp Genetics (formerly Invitae), Labcorp
Classification: Uncertain significance. Last evaluated: 2022-09-09. Review status: criteria provided, single submitter. Criteria: Invitae Variant Classification Sherloc (09022015). Collection method: clinical testing. Allele origin: germline.
Comment: In summary, the available evidence is currently insufficient to determine the role of this variant in disease. Therefore, it has been classified as a Variant of Uncertain Significance. Algorithms developed to predict the effect of missense changes on protein structure and function (SIFT, PolyPhen-2, Align-GVGD) all suggest that this variant is likely to be tolerated. This variant has not been reported in the literature in individuals affected with NIN-related conditions. This variant is present in population databases (no rsID available, gnomAD 0.0009%). This sequence change replaces proline, which is neutral and non-polar, with serine, which is neutral and polar, at codon 589 of the NIN protein (p.Pro589Ser).